The following is an entry in ClinVar:

ClinVar aggregate classification (germline): Uncertain significance (1 of 4 stars; one submission).

Submission:

GeneDx
Classification: Uncertain significance. Last evaluated: 2023-07-05. Review status: criteria provided, single submitter. Criteria: GeneDx Variant Classification Process June 2021. Collection method: clinical testing. Allele origin: germline.
Comment: Not observed at significant frequency in large population cohorts (gnomAD); In silico analysis supports that this missense variant has a deleterious effect on protein structure/function; Has not been previously published as pathogenic or benign to our knowledge

NM_015047.3(EMC1):c.488G>T (p.Trp163Leu)

Gene: EMC1 (ER membrane protein complex subunit 1; minus strand). Cytogenetic location: 1p36.13.
Variant type: single nucleotide variant.
Coding change: c.488G>T on transcript NM_015047.3 (MANE Select); coding-DNA position 488, G replaced by T.
Protein change: p.Trp163Leu; replaces tryptophan 163 with leucine.
Molecular consequence: missense variant.
Genome position (GRCh38, 1-based): chr1:19,242,366, C>A on the plus strand (G>T on the coding strand, the complement: EMC1 is on the minus strand). VCF-style: chr1-19242366-C-A. GRCh37 (hg19) VCF-style: chr1-19568860-C-A.
Other names: c.488G>T, p.Trp163Leu (NM_001271427.2, NM_001271428.2, NM_001375820.1 and 1 more transcripts); c.422G>T, p.Trp141Leu (NM_001271429.2); short protein forms W141L, W163L.
Identifiers: ClinVar variation 2505056 (VCV002505056.2), dbSNP rs1270538282, ClinGen allele CA338770516.
Genomic context (GRCh38, chr1:19,242,366, plus strand): 5'-AGAACGAGGCAGCTATTGCCTGTGAGCAGGCAGCCTTACCTTTCTGGGAGATGTTCCACC[C>A]ACTTGAGGTGCCCACTGGAGAGGTGATGGAGGGCAAGTGTAGTCTTCTTCAGGACTGCGA-3'
Protein context (NP_055862.1, residues 153-173): LHHLSSGHLK[Trp163Leu]VEHLPESDSI